The following is an entry in ClinVar:

NM_176824.3(BBS7):c.1786+5A>G

Gene: BBS7 (Bardet-Biedl syndrome 7; minus strand). Cytogenetic location: 4q27.
Variant type: single nucleotide variant.
Coding change: c.1786+5A>G on transcript NM_176824.3 (MANE Select); 5 bases into the intron after coding-DNA position 1786, A replaced by G.
Molecular consequence: intron variant.
Genome position (GRCh38, 1-based): chr4:121,828,614, T>C on the plus strand (A>G on the coding strand, the complement: BBS7 is on the minus strand). VCF-style: chr4-121828614-T-C. GRCh37 (hg19) VCF-style: chr4-122749769-T-C.
Other names: c.1786+5A>G (NM_018190.4).
Identifiers: ClinVar variation 4997775 (VCV004997775.1).
Genomic context (GRCh38, chr4:121,828,614, plus strand): 5'-ACATTAATAATGTAACAACAACACAAAATAAACATCAGAAAGAATTATTAATTTTGTTTG[T>C]TTACCGTATGATATGTTGAGGTTAATTTTCCTTTTTGTAGCTTCTTTAGAAAGCACATCT-3'

ClinVar aggregate classification (germline): Likely benign (1 of 4 stars; one submission).

Conditions:
BBS7-related disorder. Also called: BBS7-related condition.

gnomAD v4.1: 9 of 1,578,878 alleles (0.00057%); highest among the groups gnomAD compares: Non-Finnish European, 0.0007%; no homozygotes.

Submission:

PreventionGenetics, part of Exact Sciences
Classification: Likely benign for BBS7-related condition. Last evaluated: 2024-10-03. Review status: criteria provided, single submitter. Criteria: ACMG Guidelines, 2015. Collection method: clinical testing. Allele origin: germline.
Comment: This variant is classified as likely benign based on ACMG/AMP sequence variant interpretation guidelines (Richards et al. 2015 PMID: 25741868, with internal and published modifications).